The following is an entry in ClinVar:

ClinVar aggregate classification (germline): Likely pathogenic (1 of 4 stars; one submission).

Conditions:
Alstrom syndrome (ALMS). Identifiers: Orphanet 64, MedGen C0268425, MONDO:0008763, OMIM 203800.

Submission:

Myriad Genetics, Inc.
Classification: Likely pathogenic for Alstrom syndrome. Last evaluated: 2021-12-21. Review status: criteria provided, single submitter. Criteria: Myriad Women's Health Autosomal Recessive and X-Linked Classification Criteria (2021). Collection method: clinical testing. Allele origin: unknown.
Comment: NM_015120.4(ALMS1):c.9826A>T(K3276*) is expected to be pathogenic in the context of Alstrom syndrome. This variant is predicted to lead to an abnormal or absent protein product due to the creation of a premature termination codon in ALMS1, a gene where loss-of-function variants are known to be pathogenic. Please note: this variant was assessed in the context of healthy population screening.

NM_001378454.1(ALMS1):c.9823A>T (p.Lys3275Ter)

Gene: ALMS1 (ALMS1 centrosome and basal body associated protein; plus strand). Cytogenetic location: 2p13.1.
Variant type: single nucleotide variant.
Coding change: c.9823A>T on transcript NM_001378454.1 (MANE Select); coding-DNA position 9823, A replaced by T.
Protein change: p.Lys3275Ter; replaces lysine 3275 with a stop codon.
Molecular consequence: nonsense.
Genome position (GRCh38, 1-based): chr2:73,534,865, A>T. VCF-style: chr2-73534865-A-T. GRCh37 (hg19) VCF-style: chr2-73761992-A-T.
Other names: c.9826A>T, p.Lys3276Ter (NM_015120.4); short protein forms K3275*, K3276*.
Identifiers: ClinVar variation 1726568 (VCV001726568.2), dbSNP rs779574582, ClinGen allele CA347263633.